The following is an entry in ClinVar:

ClinVar aggregate classification (germline): Likely pathogenic (1 of 4 stars; one submission).

Conditions:
Cornelia de Lange syndrome 1 (CDLS1). Also called: Brachmann de Lange syndrome; TYPUS DEGENERATIVUS AMSTELODAMENSIS; NIPBL-Related Cornelia de Lange Syndrome. Identifiers: Orphanet 199, MedGen C4551851, MONDO:0007387, OMIM 122470.

Submission:

New York Genome Center
Classification: Likely pathogenic for Cornelia de Lange syndrome 1. Last evaluated: 2022-02-22. Review status: criteria provided, single submitter. Criteria: NYGC Assertion Criteria 2020. Collection method: clinical testing. Allele origin: de novo. Affected: yes. Observed: 1 heterozygote. Study: PrenatalSEQ.
Comment: The de novo c.6440T>G (p.Val2147Gly) variant identified in the NIPBL gene substitutes a very well conserved Valine for Glycine at amino acid 2147/2805 (exon 37/47). This variant has not previously been reported in public variant repositories (ClinVar and LOVD), and is absent from population databases (gnomAD v2.1.1 and v3.1.2, TOPMed Freeze 8), suggesting it is not a common benign variant in the populations represented in those databases. In silico algorithms predict this variant to be Pathogenic (REVEL; score: 0.822) and Damaging (SIFT; score:0.00) to the canonical transcript. The p.Val2147Gly variant has been reported in an individual with a clinical diagnosis of Cornelia de Lange syndrome, however detailed clinical information for this individual was not provided [Patient 38, Supp Table S1; PMID:30614194]. The p.Val2147 residue is within the HEAT domain region of NIPBL where pathogenic missense variants are often reported [PMID:25125236, 24038889]. Given its presence de novo here, absence in population databases, in silico prediction of a damaging effect on protein function, and observation in an individual in the literature with clinical diagnosis of Cornelia de Lange, the de novo c.6440T>G (p.Val2147Gly) variant identified in the NIPBL gene isreported as Likely Pathogenic.

NM_133433.4(NIPBL):c.6440T>G (p.Val2147Gly)

Gene: NIPBL (NIPBL cohesin loading factor; plus strand). Cytogenetic location: 5p13.2.
Variant type: single nucleotide variant.
Coding change: c.6440T>G on transcript NM_133433.4 (MANE Select); coding-DNA position 6440, T replaced by G.
Protein change: p.Val2147Gly; replaces valine 2147 with glycine.
Molecular consequence: missense variant.
Genome position (GRCh38, 1-based): chr5:37,045,539, T>G. VCF-style: chr5-37045539-T-G. GRCh37 (hg19) VCF-style: chr5-37045641-T-G.
Other names: c.6440T>G, p.Val2147Gly (NM_015384.5); short protein forms V2147G.
Identifiers: ClinVar variation 3235919 (VCV003235919.1), dbSNP rs2478588532, ClinGen allele CA359504582.